The following is an entry in ClinVar:

ClinVar aggregate classification (germline): Uncertain significance (1 of 4 stars; one submission).

Conditions:
Myopathy with tubular aggregates (TAM). Also called: Tubular Aggregate Myopathy. Identifiers: Orphanet 2593, MedGen C0410207, MONDO:0008051.
Stormorken syndrome (STRMK). Also called: THROMBOCYTOPATHY, ASPLENIA, AND MIOSIS. Identifiers: Orphanet 3204, MedGen C1861451, MONDO:0008497, OMIM 185070.
Combined immunodeficiency due to STIM1 deficiency. Also called: IMMUNODEFICIENCY 10; STIM1 DEFICIENCY. Identifiers: Orphanet 169090, Orphanet 317430, MedGen C2748557, MONDO:0013008, OMIM 612783.

Submission:

Labcorp Genetics (formerly Invitae), Labcorp
Classification: Uncertain significance for Myopathy with tubular aggregates; Combined immunodeficiency due to STIM1 deficiency; Stormorken syndrome. Last evaluated: 2019-10-03. Review status: criteria provided, single submitter. Criteria: Invitae Variant Classification Sherloc (09022015). Collection method: clinical testing. Allele origin: germline.
Comment: In summary, the available evidence is currently insufficient to determine the role of this variant in disease. Therefore, it has been classified as a Variant of Uncertain Significance. Algorithms developed to predict the effect of missense changes on protein structure and function (SIFT, PolyPhen-2, Align-GVGD) all suggest that this variant is likely to be tolerated, but these predictions have not been confirmed by published functional studies and their clinical significance is uncertain. This variant has not been reported in the literature in individuals with STIM1-related conditions. This variant is not present in population databases (ExAC no frequency). This sequence change replaces proline with alanine at codon 506 of the STIM1 protein (p.Pro506Ala). The proline residue is moderately conserved and there is a small physicochemical difference between proline and alanine.

NM_001382567.1(STIM1):c.1609C>G (p.Pro537Ala)

Gene: STIM1 (stromal interaction molecule 1; plus strand). Cytogenetic location: 11p15.4.
Variant type: single nucleotide variant.
Coding change: c.1609C>G on transcript NM_001382567.1 (MANE Select); coding-DNA position 1609, C replaced by G.
Protein change: p.Pro537Ala; replaces proline 537 with alanine.
Molecular consequence: missense variant. On other transcripts: non-coding transcript variant (3).
Genome position (GRCh38, 1-based): chr11:4,086,518, C>G. VCF-style: chr11-4086518-C-G. GRCh37 (hg19) VCF-style: chr11-4107748-C-G.
Other names: c.1516C>G, p.Pro506Ala (NM_001277961.3, NM_001277962.2, NM_003156.4); c.1294C>G, p.Pro432Ala (NM_001382566.1, NM_001382575.1, NM_001382576.1 and 3 more transcripts); c.1537C>G, p.Pro513Ala (NM_001382568.1); c.1381C>G, p.Pro461Ala (NM_001382569.1); c.1288C>G, p.Pro430Ala (NM_001382570.1); c.1036C>G, p.Pro346Ala (NM_001382571.1); c.1027C>G, p.Pro343Ala (NM_001382580.1, NM_001382581.1); short protein forms P432A, P513A, P461A, P346A, P343A, P430A, P506A, P537A.
Identifiers: ClinVar variation 960789 (VCV000960789.10), dbSNP rs1228842060, ClinGen allele CA379195264.